The following is an entry in ClinVar:

ClinVar aggregate classification (germline): Likely pathogenic (1 of 4 stars; one submission).

Conditions:
Cardiovascular phenotype. Identifiers: MedGen CN230736.

Submission:

Ambry Genetics
Classification: Likely pathogenic for Cardiovascular phenotype. Last evaluated: 2025-03-04. Review status: criteria provided, single submitter. Criteria: Ambry Variant Classification Scheme 2023. Collection method: clinical testing. Allele origin: germline.
Comment: The p.E1398* variant (also known as c.4192G>T), located in coding exon 23 of the TTN gene, results from a G to T substitution at nucleotide position 4192. This changes the amino acid from a glutamic acid to a stop codon within coding exon 23. This exon is located in the near Z-disk region of the N2-B isoform of the titin protein and is constitutively expressed in TTN transcripts (percent spliced in or PSI 100%). This variant was reported in individual(s) with features consistent with dilated cardiomyopathy (Ambry internal data). This variant is considered to be rare based on population cohorts in the Genome Aggregation Database (gnomAD). This variant is expected to result in loss of function by premature protein truncation or nonsense-mediated mRNA decay. While truncating variants in TTN are present in 1-3% of the general population, truncating variants in the A-band are the most common cause of dilated cardiomyopathy (Herman DS et al. N. Engl. J. Med., 2012 Feb;366:619-28; Roberts AM et al. Sci Transl Med, 2015 Jan;7:270ra6). TTN truncating variants encoded in constitutive exons (PSI >90%) have been found to be significantly associated with DCM regardless of their position in titin (Schafer S et al. Nat. Genet., 2017 01;49:46-53; Akhtar MM et al. Circ Heart Fail, 2020 Oct;13:e006832; Massier M et al. Clin Genet, 2025 Jan). Based on the majority of available evidence to date, this variant is likely to be pathogenic.

NM_001267550.2(TTN):c.4330G>T (p.Glu1444Ter)

Genes: TTN (titin; minus strand), LOC101927055 (uncharacterized LOC101927055; plus strand). Cytogenetic location: 2q31.2.
Variant type: single nucleotide variant.
Coding change: c.4330G>T on transcript NM_001267550.2 (MANE Select); coding-DNA position 4330, G replaced by T.
Protein change: p.Glu1444Ter; replaces glutamic acid 1444 with a stop codon.
Molecular consequence: nonsense. On other transcripts: non-coding transcript variant (1).
Genome position (GRCh38, 1-based): chr2:178,777,854, C>A on the plus strand (G>T on the coding strand, the complement: TTN is on the minus strand). VCF-style: chr2-178777854-C-A. GRCh37 (hg19) VCF-style: chr2-179642581-C-A.
Other names: c.4330G>T, p.Glu1444Ter (NM_001256850.1, NM_133378.4, NM_133379.5); c.4192G>T, p.Glu1398Ter (NM_003319.4, NM_133432.3, NM_133437.4); short protein forms E1444*, E1398*.
Identifiers: ClinVar variation 1738582 (VCV001738582.3), dbSNP rs2532971329, ClinGen allele CA349469933.